The following is an entry in ClinVar:

NM_032608.7(MYO18B):c.1579+5G>A

Gene: MYO18B (myosin XVIIIB; plus strand). Cytogenetic location: 22q12.1.
Variant type: single nucleotide variant.
Coding change: c.1579+5G>A on transcript NM_032608.7 (MANE Select); 5 bases into the intron after coding-DNA position 1579, G replaced by A.
Molecular consequence: intron variant.
Genome position (GRCh38, 1-based): chr22:25,770,181, G>A. VCF-style: chr22-25770181-G-A. GRCh37 (hg19) VCF-style: chr22-26166148-G-A.
Other names: c.1579+5G>A (NM_001318245.2).
Identifiers: ClinVar variation 2793293 (VCV002793293.3), dbSNP rs754639183, ClinGen allele CA10159874.
Genomic context (GRCh38, chr22:25,770,181, plus strand): 5'-CAGATGGTATGAGGCAGAGAAAGTCTGGCTGGCTCAGAAGGATGGATTTACTCTTGGTAA[G>A]TAGGGGTGTTAGCACCTTTGGAGGGTCTGAGTCTTCTCCTGTGCCCCCTACTGCTGCCAG-3'

ClinVar aggregate classification (germline): Uncertain significance (1 of 4 stars; one submission).

Allele frequency attached by ClinVar (database versions not stated): gnomAD exomes below 0.00001; ExAC 0.00001.
gnomAD v4.1: 1 of 1,613,928 alleles (0.000062%); highest among the groups gnomAD compares: Non-Finnish European, 0.000085%; no homozygotes.

Submission:

Labcorp Genetics (formerly Invitae), Labcorp
Classification: Uncertain significance. Last evaluated: 2023-01-13. Review status: criteria provided, single submitter. Criteria: Invitae Variant Classification Sherloc (09022015). Collection method: clinical testing. Allele origin: germline.
Comment: This sequence change falls in intron 5 of the MYO18B gene. It does not directly change the encoded amino acid sequence of the MYO18B protein. It affects a nucleotide within the consensus splice site. This variant is present in population databases (rs754639183, gnomAD 0.0009%). This variant has not been reported in the literature in individuals affected with MYO18B-related conditions. Variants that disrupt the consensus splice site are a relatively common cause of aberrant splicing (PMID: 17576681, 9536098). Algorithms developed to predict the effect of sequence changes on RNA splicing suggest that this variant may disrupt the consensus splice site. In summary, the available evidence is currently insufficient to determine the role of this variant in disease. Therefore, it has been classified as a Variant of Uncertain Significance.

Literature cited by the submitters: PubMed 17576681; PubMed 9536098.